The following is an entry in ClinVar:

NM_052867.4(NALCN):c.402T>G (p.Asp134Glu)

Gene: NALCN (sodium leak channel, non-selective; minus strand). Cytogenetic location: 13q33.1.
Variant type: single nucleotide variant.
Coding change: c.402T>G on transcript NM_052867.4 (MANE Select); coding-DNA position 402, T replaced by G.
Protein change: p.Asp134Glu; replaces aspartic acid 134 with glutamic acid.
Molecular consequence: missense variant.
Genome position (GRCh38, 1-based): chr13:101,377,030, A>C on the plus strand (T>G on the coding strand, the complement: NALCN is on the minus strand). VCF-style: chr13-101377030-A-C. GRCh37 (hg19) VCF-style: chr13-102029381-A-C.
Other names: c.402T>G, p.Asp134Glu (NM_001350748.2, NM_001350749.2, NM_001350750.2 and 1 more transcripts); short protein forms D134E.
Identifiers: ClinVar variation 3774749 (VCV003774749.1).
Genomic context (GRCh38, chr13:101,377,030, plus strand): 5'-GAATGCTCGGATCATAATCAGTGGCCGTGGAATCCGCAACATGCCCCAAGGTGACATCTG[A>C]TCAACTATATCAGCAATTTCAAACACCTACAAATTAAAAGATGGGTAAATGAGGTTGGAT-3'
Protein context (NP_443099.1, residues 124-144): LQVFEIADIV[Asp134Glu]QMSPWGMLRI

ClinVar aggregate classification (germline): Uncertain significance (1 of 4 stars; one submission).

Submission:

GeneDx
Classification: Uncertain significance. Last evaluated: 2024-09-26. Review status: criteria provided, single submitter. Criteria: GeneDx Variant Classification Process June 2021. Collection method: clinical testing. Allele origin: germline. Affected: yes.
Comment: Not observed at significant frequency in large population cohorts (gnomAD); In silico analysis indicates that this missense variant does not alter protein structure/function; Has not been previously published as pathogenic or benign to our knowledge